The following is an entry in ClinVar:

NM_006073.4(TRDN):c.591A>C (p.Glu197Asp)

Gene: TRDN (triadin; minus strand). Cytogenetic location: 6q22.31.
Variant type: single nucleotide variant.
Coding change: c.591A>C on transcript NM_006073.4 (MANE Select); coding-DNA position 591, A replaced by C.
Protein change: p.Glu197Asp; replaces glutamic acid 197 with aspartic acid.
Molecular consequence: missense variant.
Genome position (GRCh38, 1-based): chr6:123,512,322, T>G on the plus strand (A>C on the coding strand, the complement: TRDN is on the minus strand). VCF-style: chr6-123512322-T-G. GRCh37 (hg19) VCF-style: chr6-123833467-T-G.
Other names: c.591A>C, p.Glu197Asp (NM_001251987.2, NM_001256020.2, NM_001256021.2); short protein forms E197D.
Identifiers: ClinVar variation 518564 (VCV000518564.17), dbSNP rs751143632, ClinGen allele CA3984336.

ClinVar aggregate classification (germline): Uncertain significance. Review status: criteria provided, multiple submitters, no conflicts (2 of 4 stars). 3 submissions from 3 submitters: Uncertain significance (3). Last evaluated 2025-03-07.

Conditions:
Cardiovascular phenotype. Identifiers: MedGen CN230736.
Catecholaminergic polymorphic ventricular tachycardia 1. Also called: RYR2-Related Catecholaminergic Polymorphic Ventricular Tachycardia; VENTRICULAR TACHYCARDIA, CATECHOLAMINERGIC POLYMORPHIC, 1, WITH OR WITHOUT ATRIAL DYSFUNCTION AND/OR DILATED CARDIOMYOPATHY; VENTRICULAR TACHYCARDIA, STRESS-INDUCED POLYMORPHIC 1. Identifiers: Orphanet 3286, MedGen C1631597, MONDO:0011484, OMIM 604772.

Allele frequency attached by ClinVar (database versions not stated): gnomAD exomes 0.00002; TOPMed 0.00005; gnomAD 0.00013; 1000 Genomes Project 30x 0.00016.
gnomAD v4.1: 56 of 1,501,682 alleles (0.0037%); highest among the groups gnomAD compares: Admixed American, 0.064%; no homozygotes.

Submissions (3):

GeneDx
Classification: Uncertain significance. Last evaluated: 2025-03-07. Review status: criteria provided, single submitter. Criteria: GeneDx Variant Classification Process June 2021. Collection method: clinical testing. Allele origin: germline. Affected: yes.
Comment: Not observed at significant frequency in large population cohorts (gnomAD); In silico analysis indicates that this missense variant does not alter protein structure/function; Has not been previously published as pathogenic or benign to our knowledge

Ambry Genetics
Classification: Uncertain significance for Cardiovascular phenotype. Last evaluated: 2024-02-09. Review status: criteria provided, single submitter. Criteria: Ambry Variant Classification Scheme 2023. Collection method: clinical testing. Allele origin: germline.
Comment: The p.E197D variant (also known as c.591A>C), located in coding exon 7 of the TRDN gene, results from an A to C substitution at nucleotide position 591. The glutamic acid at codon 197 is replaced by aspartic acid, an amino acid with highly similar properties. This amino acid position is well conserved on limited sequence alignment; however, aspartic acid is the reference amino acid in other vertebrate species. In addition, the in silico prediction for this alteration is inconclusive. Since supporting evidence is limited at this time, the clinical significance of this alteration remains unclear.

Labcorp Genetics (formerly Invitae), Labcorp
Classification: Uncertain significance for Catecholaminergic polymorphic ventricular tachycardia 1. Last evaluated: 2022-10-18. Review status: criteria provided, single submitter. Criteria: Invitae Variant Classification Sherloc (09022015). Collection method: clinical testing. Allele origin: germline.
Comment: This sequence change replaces glutamic acid, which is acidic and polar, with aspartic acid, which is acidic and polar, at codon 197 of the TRDN protein (p.Glu197Asp). This variant is present in population databases (rs751143632, gnomAD 0.008%). This variant has not been reported in the literature in individuals affected with TRDN-related conditions. ClinVar contains an entry for this variant (Variation ID: 518564). Advanced modeling of protein sequence and biophysical properties (such as structural, functional, and spatial information, amino acid conservation, physicochemical variation, residue mobility, and thermodynamic stability) performed at Invitae indicates that this missense variant is not expected to disrupt TRDN protein function. In summary, the available evidence is currently insufficient to determine the role of this variant in disease. Therefore, it has been classified as a Variant of Uncertain Significance.